The following is an entry in ClinVar:

NM_032119.4(ADGRV1):c.15699G>A (p.Met5233Ile)

Gene: ADGRV1 (adhesion G protein-coupled receptor V1; plus strand). Cytogenetic location: 5q14.3.
Variant type: single nucleotide variant.
Coding change: c.15699G>A on transcript NM_032119.4 (MANE Select); coding-DNA position 15699, G replaced by A.
Protein change: p.Met5233Ile; replaces methionine 5233 with isoleucine.
Molecular consequence: missense variant. On other transcripts: non-coding transcript variant (1).
Genome position (GRCh38, 1-based): chr5:90,810,959, G>A. VCF-style: chr5-90810959-G-A. GRCh37 (hg19) VCF-style: chr5-90106776-G-A.
Other names: short protein forms M5233I.
Identifiers: ClinVar variation 2018939 (VCV002018939.1), dbSNP rs1413378465, ClinGen allele CA360410541.

ClinVar aggregate classification (germline): Uncertain significance (1 of 4 stars; one submission).

gnomAD v4.1: 2 of 1,614,014 alleles (0.00012%); highest among the groups gnomAD compares: Non-Finnish European, 0.00017%; no homozygotes.

Submission:

Labcorp Genetics (formerly Invitae), Labcorp
Classification: Uncertain significance. Last evaluated: 2022-01-27. Review status: criteria provided, single submitter. Criteria: Invitae Variant Classification Sherloc (09022015). Collection method: clinical testing. Allele origin: germline.
Comment: This sequence change replaces methionine, which is neutral and non-polar, with isoleucine, which is neutral and non-polar, at codon 5233 of the ADGRV1 protein (p.Met5233Ile). This variant is not present in population databases (gnomAD no frequency). This variant has not been reported in the literature in individuals affected with ADGRV1-related conditions. Algorithms developed to predict the effect of missense changes on protein structure and function (SIFT, PolyPhen-2, Align-GVGD) all suggest that this variant is likely to be tolerated. In summary, the available evidence is currently insufficient to determine the role of this variant in disease. Therefore, it has been classified as a Variant of Uncertain Significance.